The following is an entry in ClinVar:

NM_000246.4(CIITA):c.2109G>T (p.Glu703Asp)

Gene: CIITA (class II major histocompatibility complex transactivator; plus strand). Cytogenetic location: 16p13.13.
Variant type: single nucleotide variant.
Coding change: c.2109G>T on transcript NM_000246.4 (MANE Select); coding-DNA position 2109, G replaced by T.
Protein change: p.Glu703Asp; replaces glutamic acid 703 with aspartic acid.
Molecular consequence: missense variant. On other transcripts: intron variant (1).
Genome position (GRCh38, 1-based): chr16:10,907,601, G>T. VCF-style: chr16-10907601-G-T. GRCh37 (hg19) VCF-style: chr16-11001458-G-T.
Other names: c.2112G>T, p.Glu704Asp (NM_001286402.1, NM_001379332.1); c.1965G>T, p.Glu655Asp (NM_001379330.1); c.1962G>T, p.Glu654Asp (NM_001379331.1); c.2109G>T, p.Glu703Asp (NM_001379333.1); c.2040G>T, p.Glu680Asp (NM_001379334.1); c.860-1382G>T (NM_001286403.2); short protein forms E680D, E655D, E703D, E704D, E654D.
Identifiers: ClinVar variation 972559 (VCV000972559.10), dbSNP rs915701076, ClinGen allele CA277747157.

ClinVar aggregate classification (germline): Uncertain significance. Review status: criteria provided, multiple submitters, no conflicts (2 of 4 stars). 4 submissions from 4 submitters: Uncertain significance (3). 1 of the submissions does not count toward it. Last evaluated 2022-08-19.

Conditions:
Inborn genetic diseases. Identifiers: MedGen C0950123, MeSH D030342.
MHC class II deficiency. Also called: Bare lymphocyte syndrome 2; BLS, TYPE II. Identifiers: Orphanet 572, MedGen C5447452, MONDO:0008855.

Allele frequency attached by ClinVar (database versions not stated): gnomAD exomes 0.00001 and 0.00002; gnomAD 0.00004; TOPMed 0.00012.
gnomAD v4.1: 15 of 1,614,134 alleles (0.00093%); highest among the groups gnomAD compares: Admixed American, 0.017%; no homozygotes.

Submissions (4):

Labcorp Genetics (formerly Invitae), Labcorp
Classification: Uncertain significance for MHC class II deficiency. Last evaluated: 2022-08-19. Review status: criteria provided, single submitter. Criteria: Invitae Variant Classification Sherloc (09022015). Collection method: clinical testing. Allele origin: germline.
Comment: This sequence change replaces glutamic acid, which is acidic and polar, with aspartic acid, which is acidic and polar, at codon 703 of the CIITA protein (p.Glu703Asp). This variant is present in population databases (no rsID available, gnomAD 0.009%). This variant has not been reported in the literature in individuals affected with CIITA-related conditions. ClinVar contains an entry for this variant (Variation ID: 972559). Algorithms developed to predict the effect of missense changes on protein structure and function output the following: SIFT: "Tolerated"; PolyPhen-2: "Benign"; Align-GVGD: "Class C0". The aspartic acid amino acid residue is found in multiple mammalian species, which suggests that this missense change does not adversely affect protein function. In summary, the available evidence is currently insufficient to determine the role of this variant in disease. Therefore, it has been classified as a Variant of Uncertain Significance.

Ambry Genetics
Classification: Uncertain significance for Inborn genetic diseases. Last evaluated: 2021-12-20. Review status: criteria provided, single submitter. Criteria: Ambry Variant Classification Scheme 2023. Collection method: clinical testing. Allele origin: germline.

Breakthrough Genomics
Classification: Uncertain significance. Review status: criteria provided, single submitter. Criteria: ACMG Guidelines, 2015. Collection method: not provided. Allele origin: germline. Inheritance: Autosomal recessive inheritance. Affected: yes.

Natera, Inc.
Classification: Uncertain significance for Bare lymphocyte syndrome type II. Last evaluated: 2020-04-04. Review status: no assertion criteria provided. Collection method: clinical testing. Allele origin: germline. Not counted in ClinVar's aggregate classification.